The following is an entry in ClinVar:

ClinVar aggregate classification (germline): Uncertain significance (1 of 4 stars; one submission).

Submission:

Labcorp Genetics (formerly Invitae), Labcorp
Classification: Uncertain significance. Last evaluated: 2021-11-01. Review status: criteria provided, single submitter. Criteria: Invitae Variant Classification Sherloc (09022015). Collection method: clinical testing. Allele origin: germline.
Comment: In summary, the available evidence is currently insufficient to determine the role of this variant in disease. Therefore, it has been classified as a Variant of Uncertain Significance. Algorithms developed to predict the effect of missense changes on protein structure and function are either unavailable or do not agree on the potential impact of this missense change (SIFT: "Deleterious"; PolyPhen-2: "Possibly Damaging"; Align-GVGD: "Class C0"). This variant has not been reported in the literature in individuals affected with PRPF3-related conditions. This variant is not present in population databases (gnomAD no frequency). This sequence change replaces glycine, which is neutral and non-polar, with glutamic acid, which is acidic and polar, at codon 222 of the PRPF3 protein (p.Gly222Glu).

NM_004698.4(PRPF3):c.665G>A (p.Gly222Glu)

Gene: PRPF3 (pre-mRNA processing factor 3; plus strand). Cytogenetic location: 1q21.2.
Variant type: single nucleotide variant.
Coding change: c.665G>A on transcript NM_004698.4 (MANE Select); coding-DNA position 665, G replaced by A.
Protein change: p.Gly222Glu; replaces glycine 222 with glutamic acid.
Molecular consequence: missense variant. On other transcripts: non-coding transcript variant (4).
Genome position (GRCh38, 1-based): chr1:150,333,136, G>A. VCF-style: chr1-150333136-G-A. GRCh37 (hg19) VCF-style: chr1-150305607-G-A.
Other names: c.260G>A, p.Gly87Glu (NM_001350529.1); short protein forms G222E, G87E.
Identifiers: ClinVar variation 1501029 (VCV001501029.6), dbSNP rs1553866173, ClinGen allele CA342292844.